The following is an entry in ClinVar:

ClinVar aggregate classification (germline): Benign/Likely benign. Review status: criteria provided, multiple submitters, no conflicts (2 of 4 stars). 9 submissions from 9 submitters: Benign (7); Likely benign (2). Last evaluated 2026-01-07.

Conditions:
Kidney disorder. Also called: renal disorder; Nephropathy; renal disease; Kidney disease; Kidney Diseases. Identifiers: MedGen C0022658, MONDO:0005240, HP:0000112.
Nephrotic syndrome, type 3 (NPHS3). Also called: NEPHROTIC SYNDROME, EARLY-ONSET, TYPE 3. Identifiers: Orphanet 656, MedGen C1853124, MONDO:0012546, OMIM 610725.

Allele frequency attached by ClinVar (database versions not stated): 1000 Genomes Project 0.00319; 1000 Genomes Project 30x 0.00328; TOPMed 0.00679; ESP Exome Variant Server 0.00874; gnomAD 0.00939 and 0.00975; gnomAD exomes 0.01088 and 0.01209; ExAC 0.01139.
gnomAD v4.1: 18,943 of 1,614,092 alleles (1.2%); highest among the groups gnomAD compares: Non-Finnish European, 1.3%; 181 homozygotes.

Submissions (9):

Labcorp Genetics (formerly Invitae), Labcorp
Classification: Benign. Last evaluated: 2026-01-07. Review status: criteria provided, single submitter. Criteria: Invitae Variant Classification Sherloc (09022015). Collection method: clinical testing. Allele origin: germline.

CeGaT Center for Human Genetics Tuebingen
Classification: Benign. Last evaluated: 2025-05-01. Review status: criteria provided, single submitter. Criteria: CeGaT Center For Human Genetics Tuebingen Variant Classification Criteria Version 2. Collection method: clinical testing. Allele origin: germline. Affected: yes. Observed: 2 variant alleles.
Comment: PLCE1: BP4, BP7, BS1, BS2

Mayo Clinic Laboratories, Mayo Clinic
Classification: Benign. Last evaluated: 2024-04-10. Review status: criteria provided, single submitter. Criteria: ACMG Guidelines, 2015. Collection method: clinical testing. Allele origin: germline. Observed: 5 variant alleles.
Comment: BS1, BS2, BP4, BP7

GeneDx
Classification: Likely benign. Last evaluated: 2021-05-03. Review status: criteria provided, single submitter. Criteria: GeneDx Variant Classification Process June 2021. Collection method: clinical testing. Allele origin: germline. Affected: yes.
Comment: See Variant Classification Assertion Criteria.

Genome Diagnostics Laboratory, The Hospital for Sick Children
Classification: Likely benign for Kidney disorder. Last evaluated: 2019-11-01. Review status: criteria provided, single submitter. Criteria: ACMG Guidelines, 2015. Collection method: clinical testing. Allele origin: germline.

Illumina Laboratory Services, Illumina
Classification: Benign for Nephrotic syndrome, type 3. Last evaluated: 2018-01-13. Review status: criteria provided, single submitter. Criteria: ICSL Variant Classification Criteria 13 December 2019. Collection method: clinical testing. Allele origin: germline.
Comment: This variant was observed in the ICSL laboratory as part of a predisposition screen in an ostensibly healthy population. It had not been previously curated by ICSL or reported in the Human Gene Mutation Database (HGMD: prior to June 1st, 2018), and was therefore a candidate for classification through an automated scoring system. Utilizing variant allele frequency, disease prevalence and penetrance estimates, and inheritance mode, an automated score was calculated to assess if this variant is too frequent to cause the disease. Based on the score and internal cut-off values, a variant classified as benign is not then subjected to further curation. The score for this variant resulted in a classification of benign for this disease.

Athena Diagnostics
Classification: Benign. Last evaluated: 2016-11-11. Review status: criteria provided, single submitter. Criteria: Athena Diagnostics Criteria. Collection method: clinical testing. Allele origin: germline.

Breakthrough Genomics
Classification: Benign. Review status: criteria provided, single submitter. Criteria: ACMG Guidelines, 2015. Collection method: not provided. Allele origin: germline. Inheritance: Autosomal recessive inheritance. Affected: yes.

PreventionGenetics, part of Exact Sciences
Classification: Benign. Review status: criteria provided, single submitter. Criteria: ACMG Guidelines, 2015. Collection method: clinical testing. Allele origin: germline.

NM_016341.4(PLCE1):c.2124G>A (p.Val708=)

Gene: PLCE1 (phospholipase C epsilon 1; plus strand). Cytogenetic location: 10q23.33.
Variant type: single nucleotide variant.
Coding change: c.2124G>A on transcript NM_016341.4 (MANE Select); coding-DNA position 2124, G replaced by A.
Protein change: p.Val708=; no amino-acid change (valine 708 retained).
Molecular consequence: synonymous variant.
Genome position (GRCh38, 1-based): chr10:94,234,222, G>A. VCF-style: chr10-94234222-G-A. GRCh37 (hg19) VCF-style: chr10-95993979-G-A.
Other names: p.Val708=; c.1200G>A, p.Val400= (NM_001165979.2); c.2124G>A, p.Val708= (NM_001288989.2).
Identifiers: ClinVar variation 260715 (VCV000260715.47), dbSNP rs61751496, ClinGen allele CA5612561.